The following is an entry in ClinVar:

ClinVar aggregate classification (germline): Uncertain significance. Review status: criteria provided, multiple submitters, no conflicts (2 of 4 stars). 2 submissions from 2 submitters: Uncertain significance (2). Last evaluated 2023-11-17.

Conditions:
Familial thoracic aortic aneurysm and aortic dissection (TAAD). Also called: Thoracic aortic aneurysms and dissections. Identifiers: Orphanet 91387, MedGen C4707243, MONDO:0019625.

Allele frequency attached by ClinVar (database versions not stated): gnomAD exomes below 0.00001.
gnomAD v4.1: 3 of 1,209,245 alleles (0.00025%); highest among the groups gnomAD compares: South Asian, 0.0018%; no homozygotes.

Submissions (2):

Ambry Genetics
Classification: Uncertain significance for Familial thoracic aortic aneurysm and aortic dissection. Last evaluated: 2023-11-17. Review status: criteria provided, single submitter. Criteria: Ambry Variant Classification Scheme 2023. Collection method: clinical testing. Allele origin: germline.
Comment: The p.D1204N variant (also known as c.3610G>A), located in coding exon 26 of the MED12 gene, results from a G to A substitution at nucleotide position 3610. The aspartic acid at codon 1204 is replaced by asparagine, an amino acid with highly similar properties. This amino acid position is conserved. In addition, this alteration is predicted to be tolerated by in silico analysis. Since supporting evidence is limited at this time, the clinical significance of this alteration remains unclear.

Clinical Genetics Laboratory, Skane University Hospital Lund
Classification: Uncertain significance. Last evaluated: 2022-05-27. Review status: criteria provided, single submitter. Criteria: ACMG Guidelines, 2015. Collection method: clinical testing. Allele origin: germline. Affected: yes.

NM_005120.3(MED12):c.3610G>A (p.Asp1204Asn)

Gene: MED12 (mediator complex subunit 12; plus strand). Cytogenetic location: Xq13.1.
Variant type: single nucleotide variant.
Coding change: c.3610G>A on transcript NM_005120.3 (MANE Select); coding-DNA position 3610, G replaced by A.
Protein change: p.Asp1204Asn; replaces aspartic acid 1204 with asparagine.
Molecular consequence: missense variant.
Genome position (GRCh38, 1-based): chrX:71,129,348, G>A. VCF-style: chrX-71129348-G-A. GRCh37 (hg19) VCF-style: chrX-70349198-G-A.
Other names: short protein forms D1204N.
Identifiers: ClinVar variation 3224583 (VCV003224583.2), dbSNP rs1461902470, ClinGen allele CA413520174.